The following is an entry in ClinVar:

NM_033056.4(PCDH15):c.4719G>A (p.Leu1573=)

Gene: PCDH15 (protocadherin related 15; minus strand). Cytogenetic location: 10q21.1.
Variant type: single nucleotide variant.
Coding change: c.4719G>A on transcript NM_033056.4 (MANE Plus Clinical); coding-DNA position 4719, G replaced by A.
Protein change: p.Leu1573=; no amino-acid change (leucine 1573 retained).
Molecular consequence: synonymous variant. On other transcripts: intron variant (8).
Genome position (GRCh38, 1-based): chr10:53,823,007, C>T on the plus strand (G>A on the coding strand, the complement: PCDH15 is on the minus strand). VCF-style: chr10-53823007-C-T. GRCh37 (hg19) VCF-style: chr10-55582767-C-T.
Other names: c.4719G>A (NM_033056.3); c.4740G>A, p.Leu1580= (NM_001142763.2); c.4725G>A, p.Leu1575= (NM_001142764.2); c.4512G>A, p.Leu1504= (NM_001142765.2); c.4710G>A, p.Leu1570= (NM_001142766.2); c.4599G>A, p.Leu1533= (NM_001142767.2); c.4659G>A, p.Leu1553= (NM_001142768.2); c.4650G>A, p.Leu1550= (NM_001142773.2); and 7 more.
Identifiers: ClinVar variation 284546 (VCV000284546.40), dbSNP rs529962978, ClinGen allele CA5505207.
Genomic context (GRCh38, chr10:53,823,007, plus strand): 5'-CTCTGGTCTATTTGGAACTTTCCTCATCAGCCTCCTGGGTAAGCTGACTGACTGACTCCA[C>T]AGCCTCTGAATCTTTTCTCTTGGGCCCCTCAGAGACTTACTCTTGGCTTGTATTTTGGGT-3'
Protein context (NP_149045.3, residues 1563-1583): LRGPREKIQR[Leu1573=]WSQSVSLPRR

ClinVar aggregate classification (germline): Conflicting classifications of pathogenicity. Review status: criteria provided, conflicting classifications (1 of 4 stars). 6 submissions from 6 submitters: Uncertain significance (1); Benign (1); Likely benign (2). 2 of the submissions do not count toward it. Last evaluated 2026-08-01.

Conditions:
PCDH15-related disorder. Also called: PCDH15-related condition; PCDH15-related disorders.
Usher syndrome type 1F (USH1F). Also called: USHER SYNDROME, TYPE IF. Identifiers: Orphanet 231169, Orphanet 886, MedGen C1865885, MONDO:0011186, OMIM 602083.

Allele frequency attached by ClinVar (database versions not stated): TOPMed 0.00001; ExAC 0.00048; 1000 Genomes Project 0.00060; gnomAD 0.00001 and 0.00008; 1000 Genomes Project 30x 0.00047.
gnomAD v4.1: 273 of 1,614,050 alleles (0.017%); highest among the groups gnomAD compares: South Asian, 0.29%; 4 homozygotes.

Submissions (6):

CeGaT Center for Human Genetics Tuebingen
Classification: Likely benign. Last evaluated: 2026-08-01. Review status: criteria provided, single submitter. Criteria: CeGaT Center For Human Genetics Tuebingen Variant Classification Criteria Version 2. Collection method: clinical testing. Allele origin: germline. Affected: yes. Observed: 2 variant alleles.
Comment: PCDH15: BP4, BP7

Labcorp Genetics (formerly Invitae), Labcorp
Classification: Benign. Last evaluated: 2026-02-02. Review status: criteria provided, single submitter. Criteria: Invitae Variant Classification Sherloc (09022015). Collection method: clinical testing. Allele origin: germline.

Blueprint Genetics
Classification: Likely benign. Last evaluated: 2024-10-28. Review status: criteria provided, single submitter. Criteria: ACMG Guidelines, 2015. Collection method: clinical testing. Allele origin: germline.

Eurofins Ntd Llc (ga)
Classification: Uncertain significance. Last evaluated: 2015-11-11. Review status: criteria provided, single submitter. Criteria: EGL Classification Definitions 2015. Collection method: clinical testing. Allele origin: germline. Observed: 1 variant allele, 1 heterozygote.

Natera, Inc.
Classification: Benign for Usher syndrome type 1F. Last evaluated: 2020-01-28. Review status: no assertion criteria provided. Collection method: clinical testing. Allele origin: germline. Not counted in ClinVar's aggregate classification.

PreventionGenetics, part of Exact Sciences
Classification: Likely benign for PCDH15-related condition. Last evaluated: 2019-12-09. Review status: no assertion criteria provided. Collection method: clinical testing. Allele origin: germline. Not counted in ClinVar's aggregate classification.
Comment: This variant is classified as likely benign based on ACMG/AMP sequence variant interpretation guidelines (Richards et al. 2015 PMID: 25741868, with internal and published modifications).